The following is an entry in ClinVar:

NM_001142800.2(EYS):c.6780del (p.Asp2261fs)

Gene: EYS (EGF-like photoreceptor maintenance factor; minus strand). Cytogenetic location: 6q12.
Variant type: Deletion.
Coding change: c.6780del on transcript NM_001142800.2 (MANE Select); coding-DNA position 6780, one base deleted (A; older notation c.6780delA).
Protein change: p.Asp2261fs; shifts the reading frame from aspartic acid 2261.
Molecular consequence: frameshift variant.
Genome position (GRCh38, 1-based): chr6:63,999,129, T deleted on the plus strand (A on the coding strand, the reverse complement: EYS is on the minus strand). VCF-style (leftmost placement, unchanged base first): chr6-63999128-CT-C. GRCh37 (hg19) VCF-style: chr6-64709021-CT-C.
Other names: c.6780del, p.Asp2261fs (NM_001292009.2); short protein forms D2261fs.
Identifiers: ClinVar variation 2110622 (VCV002110622.4), dbSNP rs2533373932, ClinGen allele CA2580075625.

ClinVar aggregate classification (germline): Pathogenic (1 of 4 stars; one submission).

Submission:

Labcorp Genetics (formerly Invitae), Labcorp
Classification: Pathogenic. Last evaluated: 2022-05-02. Review status: criteria provided, single submitter. Criteria: Invitae Variant Classification Sherloc (09022015). Collection method: clinical testing. Allele origin: germline.
Comment: This variant is not present in population databases (gnomAD no frequency). This sequence change creates a premature translational stop signal (p.Asp2261Metfs*50) in the EYS gene. It is expected to result in an absent or disrupted protein product. Loss-of-function variants in EYS are known to be pathogenic (PMID: 18836446, 20333770). For these reasons, this variant has been classified as Pathogenic. This variant has not been reported in the literature in individuals affected with EYS-related conditions.

Literature cited by the submitters: PubMed 18836446; PubMed 20333770.